The following is an entry in ClinVar:

NM_052867.4(NALCN):c.3600A>T (p.Arg1200Ser)

Gene: NALCN (sodium leak channel, non-selective; minus strand). Cytogenetic location: 13q32.3.
Variant type: single nucleotide variant.
Coding change: c.3600A>T on transcript NM_052867.4 (MANE Select); coding-DNA position 3600, A replaced by T.
Protein change: p.Arg1200Ser; replaces arginine 1200 with serine.
Molecular consequence: missense variant.
Genome position (GRCh38, 1-based): chr13:101,083,182, T>A on the plus strand (A>T on the coding strand, the complement: NALCN is on the minus strand). VCF-style: chr13-101083182-T-A. GRCh37 (hg19) VCF-style: chr13-101735533-T-A.
Other names: c.3687A>T, p.Arg1229Ser (NM_001350748.2); c.3600A>T, p.Arg1200Ser (NM_001350749.2); c.3513A>T, p.Arg1171Ser (NM_001350750.2, NM_001350751.2); short protein forms R1171S, R1229S, R1200S.
Identifiers: ClinVar variation 3666847 (VCV003666847.2).

ClinVar aggregate classification (germline): Uncertain significance (1 of 4 stars; one submission).

Submission:

Labcorp Genetics (formerly Invitae), Labcorp
Classification: Uncertain significance. Last evaluated: 2025-01-17. Review status: criteria provided, single submitter. Criteria: Invitae Variant Classification Sherloc (09022015). Collection method: clinical testing. Allele origin: germline.
Comment: This sequence change replaces arginine, which is basic and polar, with serine, which is neutral and polar, at codon 1200 of the NALCN protein (p.Arg1200Ser). This variant is not present in population databases (gnomAD no frequency). This variant has not been reported in the literature in individuals affected with NALCN-related conditions. Invitae Evidence Modeling of protein sequence and biophysical properties (such as structural, functional, and spatial information, amino acid conservation, physicochemical variation, residue mobility, and thermodynamic stability) indicates that this missense variant is expected to disrupt NALCN protein function with a positive predictive value of 80%. In summary, the available evidence is currently insufficient to determine the role of this variant in disease. Therefore, it has been classified as a Variant of Uncertain Significance.